The following is an entry in ClinVar:

ClinVar aggregate classification (germline): Uncertain significance (1 of 4 stars; one submission).

Conditions:
Generalized pustular psoriasis. Identifiers: Orphanet 247353, MedGen C0343055, MONDO:0100491.

gnomAD v4.1: 1 of 1,613,216 alleles (0.000062%); highest among the groups gnomAD compares: Non-Finnish European, 0.000085%; no homozygotes.

Submission:

Labcorp Genetics (formerly Invitae), Labcorp
Classification: Uncertain significance for Generalized pustular psoriasis. Last evaluated: 2023-10-13. Review status: criteria provided, single submitter. Criteria: Invitae Variant Classification Sherloc (09022015). Collection method: clinical testing. Allele origin: germline.
Comment: This sequence change replaces glycine, which is neutral and non-polar, with cysteine, which is neutral and slightly polar, at codon 140 of the IL36RN protein (p.Gly140Cys). This variant is not present in population databases (gnomAD no frequency). This variant has not been reported in the literature in individuals affected with IL36RN-related conditions. ClinVar contains an entry for this variant (Variation ID: 1383540). An algorithm developed to predict the effect of missense changes on protein structure and function (PolyPhen-2) suggests that this variant is likely to be tolerated. In summary, the available evidence is currently insufficient to determine the role of this variant in disease. Therefore, it has been classified as a Variant of Uncertain Significance.

NM_012275.3(IL36RN):c.418G>T (p.Gly140Cys)

Gene: IL36RN (interleukin 36 receptor antagonist; plus strand). Cytogenetic location: 2q14.1.
Variant type: single nucleotide variant.
Coding change: c.418G>T on transcript NM_012275.3 (MANE Select); coding-DNA position 418, G replaced by T.
Protein change: p.Gly140Cys; replaces glycine 140 with cysteine.
Molecular consequence: missense variant.
Genome position (GRCh38, 1-based): chr2:113,062,627, G>T. VCF-style: chr2-113062627-G-T. GRCh37 (hg19) VCF-style: chr2-113820204-G-T.
Other names: c.418G>T, p.Gly140Cys (NM_173170.1); short protein forms G140C.
Identifiers: ClinVar variation 1383540 (VCV001383540.8), dbSNP rs1415006327, ClinGen allele CA348290640.